The following is an entry in ClinVar:

NM_000222.3(KIT):c.962C>A (p.Thr321Asn)

Gene: KIT (KIT proto-oncogene, receptor tyrosine kinase; plus strand). Cytogenetic location: 4q12.
Variant type: single nucleotide variant.
Coding change: c.962C>A on transcript NM_000222.3 (MANE Select); coding-DNA position 962, C replaced by A.
Protein change: p.Thr321Asn; replaces threonine 321 with asparagine.
Molecular consequence: missense variant.
Genome position (GRCh38, 1-based): chr4:54,707,134, C>A. VCF-style: chr4-54707134-C-A. GRCh37 (hg19) VCF-style: chr4-55573300-C-A.
Other names: c.962C>A, p.Thr321Asn (NM_001093772.2, NM_001385285.1, NM_001385286.1); c.965C>A, p.Thr322Asn (NM_001385284.1, NM_001385288.1, NM_001385290.1 and 1 more transcripts); short protein forms T321N, T322N.
Identifiers: ClinVar variation 2755024 (VCV002755024.3), dbSNP rs1720838867, ClinGen allele CA356900817.

ClinVar aggregate classification (germline): Uncertain significance (1 of 4 stars; one submission).

Conditions:
Gastrointestinal stromal tumor. Also called: Gastrointestinal stromal tumor, somatic; Gastrointestinal stroma tumor. Identifiers: Orphanet 44890, MedGen C0238198, MeSH D046152, MONDO:0011719, OMIM 606764, HP:0100723.

Submission:

Labcorp Genetics (formerly Invitae), Labcorp
Classification: Uncertain significance for Gastrointestinal stromal tumor. Last evaluated: 2023-08-25. Review status: criteria provided, single submitter. Criteria: Invitae Variant Classification Sherloc (09022015). Collection method: clinical testing. Allele origin: germline.
Comment: In summary, the available evidence is currently insufficient to determine the role of this variant in disease. Therefore, it has been classified as a Variant of Uncertain Significance. An algorithm developed to predict the effect of missense changes on protein structure and function (PolyPhen-2) suggests that this variant is likely to be tolerated. This variant has not been reported in the literature in individuals affected with KIT-related conditions. This variant is not present in population databases (gnomAD no frequency). This sequence change replaces threonine, which is neutral and polar, with asparagine, which is neutral and polar, at codon 321 of the KIT protein (p.Thr321Asn).